The following is an entry in ClinVar:

ClinVar aggregate classification (germline): Uncertain significance. Review status: criteria provided, single submitter (1 of 4 stars). 2 submissions from 2 submitters: Uncertain significance (1). 1 of the submissions does not count toward it. Last evaluated 2025-06-12.

Conditions:
Intellectual disability. Also called: intellectual disabilities; Intellectual developmental disorder; Intellectual functioning disability. Identifiers: MedGen C3714756, MeSH D008607, MONDO:0001071, HP:0001249.

Allele frequency attached by ClinVar (database versions not stated): gnomAD 0.00001; gnomAD exomes 0.00001 and 0.00002; TOPMed 0.00003; ExAC 0.00002.
gnomAD v4.1: 24 of 1,612,494 alleles (0.0015%); highest among the groups gnomAD compares: South Asian, 0.0033%; no homozygotes.

Submissions (2):

Labcorp Genetics (formerly Invitae), Labcorp
Classification: Uncertain significance. Last evaluated: 2025-06-12. Review status: criteria provided, single submitter. Criteria: Invitae Variant Classification Sherloc (09022015). Collection method: clinical testing. Allele origin: germline.
Comment: This sequence change falls in intron 14 of the CACNA1D gene. It does not directly change the encoded amino acid sequence of the CACNA1D protein. It affects a nucleotide within the consensus splice site. This variant is present in population databases (rs755763353, gnomAD 0.002%). This variant has not been reported in the literature in individuals affected with CACNA1D-related conditions. ClinVar contains an entry for this variant (Variation ID: 975355). Variants that disrupt the consensus splice site are a relatively common cause of aberrant splicing (PMID: 17576681, 9536098). Algorithms developed to predict the effect of sequence changes on RNA splicing suggest that this variant is not likely to affect RNA splicing. In summary, the available evidence is currently insufficient to determine the role of this variant in disease. Therefore, it has been classified as a Variant of Uncertain Significance.

Centre de Biologie Pathologie Génétique, Centre Hospitalier Universitaire de Lille
Classification: Likely benign for Intellectual disability. Last evaluated: 2019-01-01. Review status: no assertion criteria provided. Collection method: clinical testing. Allele origin: inherited. Affected: yes. Not counted in ClinVar's aggregate classification.

Literature cited by the submitters: PubMed 17576681 (cited by Labcorp Genetics (formerly Invitae), Labcorp); PubMed 9536098 (cited by Labcorp Genetics (formerly Invitae), Labcorp).

NM_001128840.3(CACNA1D):c.1893-3T>C

Gene: CACNA1D (calcium voltage-gated channel subunit alpha1 D; plus strand). Cytogenetic location: 3p21.1.
Variant type: single nucleotide variant.
Coding change: c.1893-3T>C on transcript NM_001128840.3 (MANE Select); 3 bases into the intron before coding-DNA position 1893, T replaced by C.
Molecular consequence: intron variant.
Genome position (GRCh38, 1-based): chr3:53,723,789, T>C. VCF-style: chr3-53723789-T-C. GRCh37 (hg19) VCF-style: chr3-53757816-T-C.
Other names: c.1893-3T>C (NM_001128839.3); c.1953-3T>C (NM_000720.4).
Identifiers: ClinVar variation 975355 (VCV000975355.6), dbSNP rs755763353, ClinGen allele CA2454095.